The following is an entry in ClinVar:

NM_017617.5(NOTCH1):c.3644-79C>T

Gene: NOTCH1 (notch receptor 1; minus strand). Cytogenetic location: 9q34.3.
Variant type: single nucleotide variant.
Coding change: c.3644-79C>T on transcript NM_017617.5 (MANE Select); 79 bases into the intron before coding-DNA position 3644, C replaced by T.
Molecular consequence: intron variant.
Genome position (GRCh38, 1-based): chr9:136,507,052, G>A on the plus strand (C>T on the coding strand, the complement: NOTCH1 is on the minus strand). VCF-style: chr9-136507052-G-A. GRCh37 (hg19) VCF-style: chr9-139401504-G-A.
Identifiers: ClinVar variation 678563 (VCV000678563.2), dbSNP rs3124596, ClinGen allele CA13041480.

ClinVar aggregate classification (germline): Benign. Review status: criteria provided, multiple submitters, no conflicts (2 of 4 stars). 2 submissions from 2 submitters: Benign (2). Last evaluated 2018-06-18.

Allele frequency attached by ClinVar (database versions not stated): gnomAD exomes 0.51801; gnomAD 0.56837 and 0.57486; TOPMed 0.59051; 1000 Genomes Project 30x 0.68129; 1000 Genomes Project 0.68391.
gnomAD v4.1: 816,374 of 1,555,742 alleles (52%); highest among the groups gnomAD compares: East Asian, 84%; 219,805 homozygotes.

Submissions (2):

GeneDx
Classification: Benign. Last evaluated: 2018-06-18. Review status: criteria provided, single submitter. Criteria: GeneDx Variant Classification (06012015). Collection method: clinical testing. Allele origin: germline. Affected: yes.
Comment: This variant is considered likely benign or benign based on one or more of the following criteria: it is a conservative change, it occurs at a poorly conserved position in the protein, it is predicted to be benign by multiple in silico algorithms, and/or has population frequency not consistent with disease.

Breakthrough Genomics
Classification: Benign. Review status: criteria provided, single submitter. Criteria: ACMG Guidelines, 2015. Collection method: not provided. Allele origin: germline. Inheritance: Autosomal dominant inheritance. Affected: yes.